The following is an entry in ClinVar:

NM_001048174.2(MUTYH):c.871G>C (p.Ala291Pro)

Gene: MUTYH (mutY DNA glycosylase; minus strand). Cytogenetic location: 1p34.1.
Variant type: single nucleotide variant.
Coding change: c.871G>C on transcript NM_001048174.2 (MANE Select); coding-DNA position 871, G replaced by C.
Protein change: p.Ala291Pro; replaces alanine 291 with proline.
Molecular consequence: missense variant. On other transcripts: non-coding transcript variant (7).
Genome position (GRCh38, 1-based): chr1:45,332,065, C>G on the plus strand (G>C on the coding strand, the complement: MUTYH is on the minus strand). VCF-style: chr1-45332065-C-G. GRCh37 (hg19) VCF-style: chr1-45797737-C-G.
Other names: c.871G>C, p.Ala291Pro (NM_001048171.2, NM_001407070.1, NM_001407072.1 and 6 more transcripts); c.874G>C, p.Ala292Pro (NM_001048172.2, NM_001407071.1, NM_001407078.1 and 1 more transcripts); c.595G>C, p.Ala199Pro (NM_001293196.2, NM_001407091.1, NM_001293192.2); c.526G>C, p.Ala176Pro (NM_001350650.2, NM_001350651.2, NM_001407082.1); c.904G>C, p.Ala302Pro (NM_001407069.1, NM_001407077.1, NM_001293191.2); c.787G>C, p.Ala263Pro (NM_001407075.1); c.832G>C, p.Ala278Pro (NM_001407079.1); c.829G>C, p.Ala277Pro (NM_001407080.1); and 5 more; short protein forms A176P, A263P, A278P, A291P, A298P, A306P, A305P, A199P.
Identifiers: ClinVar variation 4113949 (VCV004113949.1).

ClinVar aggregate classification (germline): Uncertain significance (1 of 4 stars; one submission).

Conditions:
Hereditary cancer-predisposing syndrome. Also called: Hereditary neoplastic syndrome; Neoplastic Syndromes, Hereditary; Tumor predisposition; Hereditary Cancer Syndrome. Identifiers: Orphanet 140162, MedGen C0027672, MeSH D009386, MONDO:0015356.

Submission:

Ambry Genetics
Classification: Uncertain significance for Hereditary cancer-predisposing syndrome. Last evaluated: 2025-08-27. Review status: criteria provided, single submitter. Criteria: Ambry Variant Classification Scheme 2023. Collection method: clinical testing. Allele origin: germline.
Comment: The p.A319P variant (also known as c.955G>C), located in coding exon 11 of the MUTYH gene, results from a G to C substitution at nucleotide position 955. The alanine at codon 319 is replaced by proline, an amino acid with highly similar properties. This amino acid position is conserved. In addition, this alteration is predicted to be tolerated by in silico analysis. Based on the available evidence, the clinical significance of this variant remains unclear.